The following is an entry in ClinVar:

ClinVar aggregate classification (germline): Uncertain significance (1 of 4 stars; one submission).

Conditions:
Hereditary cancer-predisposing syndrome. Also called: Tumor predisposition; Hereditary Cancer Syndrome; Hereditary neoplastic syndrome; Neoplastic Syndromes, Hereditary. Identifiers: Orphanet 140162, MedGen C0027672, MeSH D009386, MONDO:0015356.

Submission:

Ambry Genetics
Classification: Uncertain significance for Hereditary cancer-predisposing syndrome. Last evaluated: 2023-08-04. Review status: criteria provided, single submitter. Criteria: Ambry Variant Classification Scheme 2023. Collection method: clinical testing. Allele origin: germline.
Comment: The p.S966C variant (also known as c.2897C>G), located in coding exon 21 of the KIT gene, results from a C to G substitution at nucleotide position 2897. The serine at codon 966 is replaced by cysteine, an amino acid with dissimilar properties. This amino acid position is conserved. In addition, this alteration is predicted to be tolerated by in silico analysis. Since supporting evidence is limited at this time, the clinical significance of this alteration remains unclear.

NM_000222.3(KIT):c.2897C>G (p.Ser966Cys)

Gene: KIT (KIT proto-oncogene, receptor tyrosine kinase; plus strand). Cytogenetic location: 4q12.
Variant type: single nucleotide variant.
Coding change: c.2897C>G on transcript NM_000222.3 (MANE Select); coding-DNA position 2897, C replaced by G.
Protein change: p.Ser966Cys; replaces serine 966 with cysteine.
Molecular consequence: missense variant.
Genome position (GRCh38, 1-based): chr4:54,738,523, C>G. VCF-style: chr4-54738523-C-G. GRCh37 (hg19) VCF-style: chr4-55604689-C-G.
Other names: c.2885C>G, p.Ser962Cys (NM_001093772.2, NM_001385292.1); c.2900C>G, p.Ser967Cys (NM_001385284.1); c.2894C>G, p.Ser965Cys (NM_001385285.1); c.2882C>G, p.Ser961Cys (NM_001385286.1); c.2888C>G, p.Ser963Cys (NM_001385288.1); c.2897C>G, p.Ser966Cys (NM_001385290.1); short protein forms S961C, S966C, S967C, S962C, S963C, S965C.
Identifiers: ClinVar variation 2587864 (VCV002587864.2), dbSNP rs765503364, ClinGen allele CA356916486.